The following is an entry in ClinVar:

ClinVar aggregate classification (germline): Uncertain significance (1 of 4 stars; one submission).

Allele frequency attached by ClinVar (database versions not stated): gnomAD exomes below 0.00001; TOPMed 0.00001; gnomAD 0.00003.
gnomAD v4.1: 4 of 1,206,097 alleles (0.00033%); highest among the groups gnomAD compares: African/African-American, 0.0053%; no homozygotes.

Submission:

Labcorp Genetics (formerly Invitae), Labcorp
Classification: Uncertain significance. Last evaluated: 2022-05-25. Review status: criteria provided, single submitter. Criteria: Invitae Variant Classification Sherloc (09022015). Collection method: clinical testing. Allele origin: germline.
Comment: This sequence change falls in intron 44 of the COL4A6 gene. It does not directly change the encoded amino acid sequence of the COL4A6 protein. It affects a nucleotide within the consensus splice site. This variant is not present in population databases (gnomAD no frequency). This variant has not been reported in the literature in individuals affected with COL4A6-related conditions. Variants that disrupt the consensus splice site are a relatively common cause of aberrant splicing (PMID: 17576681, 9536098). Algorithms developed to predict the effect of sequence changes on RNA splicing suggest that this variant is not likely to affect RNA splicing. In summary, the available evidence is currently insufficient to determine the role of this variant in disease. Therefore, it has been classified as a Variant of Uncertain Significance.

Literature cited by the submitters: PubMed 17576681; PubMed 9536098.

NM_033641.4(COL4A6):c.4813-3C>T

Gene: COL4A6 (collagen type IV alpha 6 chain; minus strand). Cytogenetic location: Xq22.3.
Variant type: single nucleotide variant.
Coding change: c.4813-3C>T on transcript NM_033641.4 (MANE Select); 3 bases into the intron before coding-DNA position 4813, C replaced by T.
Molecular consequence: intron variant.
Genome position (GRCh38, 1-based): chrX:108,157,263, G>A on the plus strand (C>T on the coding strand, the complement: COL4A6 is on the minus strand). VCF-style: chrX-108157263-G-A. GRCh37 (hg19) VCF-style: chrX-107400493-G-A.
Other names: c.4816-3C>T (NM_001847.4); c.4642-3C>T (NM_001287760.2); c.4741-3C>T (NM_001287759.2); c.4864-3C>T (NM_001287758.2).
Identifiers: ClinVar variation 1972348 (VCV001972348.5), dbSNP rs1255267423, ClinGen allele CA869784643.
Genomic context (GRCh38, chrX:108,157,263, plus strand): 5'-GGCAGGAGCCAGGTGAGACCAGGGACTGGCCTCCACCCTCGGCACCAGCGGCAGTGTGCT[G>A]AAACAGACAGGAGATTAGTGCATGAGCTGTGCCTGCCAAGGGTTGGTGTGGGGAGGGGAT-3'